The following is an entry in ClinVar:

NM_001347721.2(DYRK1A):c.1471G>C (p.Glu491Gln)

Gene: DYRK1A (dual specificity tyrosine phosphorylation regulated kinase 1A; plus strand). Cytogenetic location: 21q22.13.
Variant type: single nucleotide variant.
Coding change: c.1471G>C on transcript NM_001347721.2 (MANE Select); coding-DNA position 1471, G replaced by C.
Protein change: p.Glu491Gln; replaces glutamic acid 491 with glutamine.
Molecular consequence: missense variant.
Genome position (GRCh38, 1-based): chr21:37,505,541, G>C. VCF-style: chr21-37505541-G-C. GRCh37 (hg19) VCF-style: chr21-38877844-G-C.
Other names: c.1471G>C, p.Glu491Gln (NM_001347722.2, NM_130436.2); c.1384G>C, p.Glu462Gln (NM_001347723.2); c.1498G>C, p.Glu500Gln (NM_001396.5, NM_101395.2, NM_130438.2); short protein forms E491Q, E500Q, E462Q.
Identifiers: ClinVar variation 2750409 (VCV002750409.3), dbSNP rs1555991083, ClinGen allele CA409938669.

ClinVar aggregate classification (germline): Uncertain significance (1 of 4 stars; one submission).

Conditions:
DYRK1A-related intellectual disability syndrome (MRD7). Also called: Intellectual developmental disorder, autosomal dominant 7; DYRK1A Syndrome. Identifiers: Orphanet 464306, MedGen C5568143, MONDO:0013578, OMIM 614104.

Submission:

Labcorp Genetics (formerly Invitae), Labcorp
Classification: Uncertain significance for DYRK1A-related intellectual disability syndrome. Last evaluated: 2023-08-05. Review status: criteria provided, single submitter. Criteria: Invitae Variant Classification Sherloc (09022015). Collection method: clinical testing. Allele origin: germline.
Comment: This sequence change replaces glutamic acid, which is acidic and polar, with glutamine, which is neutral and polar, at codon 500 of the DYRK1A protein (p.Glu500Gln). This variant is not present in population databases (gnomAD no frequency). This variant has not been reported in the literature in individuals affected with DYRK1A-related conditions. Advanced modeling of protein sequence and biophysical properties (such as structural, functional, and spatial information, amino acid conservation, physicochemical variation, residue mobility, and thermodynamic stability) performed at Invitae indicates that this missense variant is not expected to disrupt DYRK1A protein function. In summary, the available evidence is currently insufficient to determine the role of this variant in disease. Therefore, it has been classified as a Variant of Uncertain Significance.